The following is an entry in ClinVar:

NM_002609.4(PDGFRB):c.1613T>A (p.Ile538Asn)

Gene: PDGFRB (platelet derived growth factor receptor beta; minus strand). Cytogenetic location: 5q32.
Variant type: single nucleotide variant.
Coding change: c.1613T>A on transcript NM_002609.4 (MANE Select); coding-DNA position 1613, T replaced by A.
Protein change: p.Ile538Asn; replaces isoleucine 538 with asparagine.
Molecular consequence: missense variant.
Genome position (GRCh38, 1-based): chr5:150,126,581, A>T on the plus strand (T>A on the coding strand, the complement: PDGFRB is on the minus strand). VCF-style: chr5-150126581-A-T. GRCh37 (hg19) VCF-style: chr5-149506144-A-T.
Other names: c.1421T>A, p.Ile474Asn (NM_001355016.2); c.1130T>A, p.Ile377Asn (NM_001355017.2); short protein forms I377N, I474N, I538N.
Identifiers: ClinVar variation 973198 (VCV000973198.3), dbSNP rs1760301005, ClinGen allele CA361713486.

ClinVar aggregate classification (germline): Pathogenic (1 of 4 stars; one submission).

Conditions:
Infantile myofibromatosis (IMF). Also called: Congenital generalized fibromatosis. Identifiers: Orphanet 2591, MedGen C0432284, MONDO:0016824.

Submission:

Demoulin lab, University of Louvain
Classification: Pathogenic for Infantile myofibromatosis. Last evaluated: 2018-08-10. Review status: criteria provided, single submitter. Criteria: Dachy G et al. (JAMA Dermatol 2019). Collection method: research. Allele origin: somatic. Affected: yes. Observed: 1 variant allele.
Comment: The mutation strongly activates PDGFRB signaling in in vitro assays (gain of function).

Variants NM_002609.3:c.1613T>A and NM_002609.3:c.1610C>A were found and analyzed together. This gain-of-function mutation of PDGFRB is sensitive to tyrosine kinase inhibitor imatinib.